The following is an entry in ClinVar:

ClinVar aggregate classification (germline): Uncertain significance. Review status: criteria provided, multiple submitters, no conflicts (2 of 4 stars). 2 submissions from 2 submitters: Uncertain significance (2). Last evaluated 2025-09-25.

Conditions:
Focal segmental glomerulosclerosis 5 (FSGS5). Identifiers: Orphanet 656, MedGen C2750475, MONDO:0013191, OMIM 613237.
Charcot-Marie-Tooth disease dominant intermediate E. Also called: CHARCOT-MARIE-TOOTH NEUROPATHY WITH FOCAL SEGMENTAL GLOMERULONEPHRITIS. Identifiers: Orphanet 93114, MedGen C4302667, MONDO:0013758, OMIM 614455.

Submissions (2):

Labcorp Genetics (formerly Invitae), Labcorp
Classification: Uncertain significance for Charcot-Marie-Tooth disease dominant intermediate E; Focal segmental glomerulosclerosis 5. Last evaluated: 2025-09-25. Review status: criteria provided, single submitter. Criteria: Invitae Variant Classification Sherloc (09022015). Collection method: clinical testing. Allele origin: germline.
Comment: This sequence change replaces glutamine, which is neutral and polar, with leucine, which is neutral and non-polar, at codon 244 of the INF2 protein (p.Gln244Leu). This variant is not present in population databases (gnomAD no frequency). This variant has not been reported in the literature in individuals affected with INF2-related conditions. ClinVar contains an entry for this variant (Variation ID: 2930276). Invitae Evidence Modeling of protein sequence and biophysical properties (such as structural, functional, and spatial information, amino acid conservation, physicochemical variation, residue mobility, and thermodynamic stability) indicates that this missense variant is expected to disrupt INF2 protein function with a positive predictive value of 95%. In summary, the available evidence is currently insufficient to determine the role of this variant in disease. Therefore, it has been classified as a Variant of Uncertain Significance.

Fulgent Genetics
Classification: Uncertain significance for Focal segmental glomerulosclerosis 5; Charcot-Marie-Tooth disease dominant intermediate E. Last evaluated: 2024-02-03. Review status: criteria provided, single submitter. Criteria: ACMG Guidelines, 2015. Collection method: clinical testing. Allele origin: germline.

NM_022489.4(INF2):c.731A>T (p.Gln244Leu)

Gene: INF2 (inverted formin 2; plus strand). Cytogenetic location: 14q32.33.
Variant type: single nucleotide variant.
Coding change: c.731A>T on transcript NM_022489.4 (MANE Select); coding-DNA position 731, A replaced by T.
Protein change: p.Gln244Leu; replaces glutamine 244 with leucine.
Molecular consequence: missense variant.
Genome position (GRCh38, 1-based): chr14:104,706,064, A>T. VCF-style: chr14-104706064-A-T. GRCh37 (hg19) VCF-style: chr14-105172401-A-T.
Other names: c.731A>T, p.Gln244Leu (NM_001031714.4, NM_001426862.1, NM_001426863.1 and 2 more transcripts); short protein forms Q244L.
Identifiers: ClinVar variation 2930276 (VCV002930276.4), dbSNP rs2541911296, ClinGen allele CA391213939.
Genomic context (GRCh38, chr14:104,706,064, plus strand): 5'-AGGCTTAGCCCACCTGGCCCCTCCTGCACAGAGACCTGGAGGATGCCGACCTGCTGATCC[A>T]GCTGGAGGCTTTCGAGGAGGCTAAGGCCGAGGACGAGGAGGAGCTGCTGCGAGTCTCTGG-3'
Protein context (NP_071934.3, residues 234-254): RDLEDADLLI[Gln244Leu]LEAFEEAKAE